The following is an entry in ClinVar:

NM_006073.4(TRDN):c.1102C>A (p.Gln368Lys)

Gene: TRDN (triadin; minus strand). Cytogenetic location: 6q22.31.
Variant type: single nucleotide variant.
Coding change: c.1102C>A on transcript NM_006073.4 (MANE Select); coding-DNA position 1102, C replaced by A.
Protein change: p.Gln368Lys; replaces glutamine 368 with lysine.
Molecular consequence: missense variant.
Genome position (GRCh38, 1-based): chr6:123,393,627, G>T on the plus strand (C>A on the coding strand, the complement: TRDN is on the minus strand). VCF-style: chr6-123393627-G-T. GRCh37 (hg19) VCF-style: chr6-123714772-G-T.
Other names: c.1105C>A, p.Gln369Lys (NM_001251987.2); c.1045C>A, p.Gln349Lys (NM_001407315.1); short protein forms Q349K, Q368K, Q369K.
Identifiers: ClinVar variation 3810171 (VCV003810171.1).

ClinVar aggregate classification (germline): Uncertain significance (1 of 4 stars; one submission).

Conditions:
Cardiovascular phenotype. Identifiers: MedGen CN230736.

Submission:

Ambry Genetics
Classification: Uncertain significance for Cardiovascular phenotype. Last evaluated: 2024-12-21. Review status: criteria provided, single submitter. Criteria: Ambry Variant Classification Scheme 2023. Collection method: clinical testing. Allele origin: germline.
Comment: The p.Q368K variant (also known as c.1102C>A), located in coding exon 13 of the TRDN gene, results from a C to A substitution at nucleotide position 1102. The glutamine at codon 368 is replaced by lysine, an amino acid with similar properties. This amino acid position is conserved. In addition, this alteration is predicted to be tolerated by in silico analysis. Based on the available evidence, the clinical significance of this variant remains unclear.